The following is an entry in ClinVar:

NM_024996.7(GFM1):c.1172del (p.Lys391fs)

Gene: GFM1 (G elongation factor mitochondrial 1; plus strand). Cytogenetic location: 3q25.32.
Variant type: Deletion.
Coding change: c.1172del on transcript NM_024996.7 (MANE Select); coding-DNA position 1172, one base deleted (A; older notation c.1172delA).
Protein change: p.Lys391fs; shifts the reading frame from lysine 391.
Molecular consequence: frameshift variant. On other transcripts: non-coding transcript variant (4), intron variant (1).
Genome position (GRCh38, 1-based): chr3:158,659,010, A deleted; the last of 3 consecutive A bases (chr3:158,659,008-158,659,010); deleting any one gives the same sequence. VCF-style (leftmost placement, unchanged base first): chr3-158659007-GA-G. GRCh37 (hg19) VCF-style: chr3-158376796-GA-G.
Other names: c.1229del, p.Lys410fs (NM_001308164.2); c.1172del, p.Lys391fs (NM_001308166.2); c.1055del, p.Lys352fs (NM_001374356.1); c.947del, p.Lys316fs (NM_001374357.1); c.713del, p.Lys238fs (NM_001374358.1); c.605del, p.Lys202fs (NM_001374359.1, NM_001374360.1); c.488del, p.Lys163fs (NM_001374361.1); c.1141-1864del (NM_001374355.1); short protein forms K163fs, K316fs, K391fs, K410fs, K202fs, K238fs, K352fs.
Identifiers: ClinVar variation 1425853 (VCV001425853.8), dbSNP rs1263604546, ClinGen allele CA547385087.
Genomic context (GRCh38, chr3:158,659,007, plus strand): 5'-ATGTTCGCAGTTATCAGGGAGAGCTAAAGAAGGGTGACACCATCTATAACACAAGGACAA[GA>G]AAGAAAGTACGGTTGCAACGGCTGGCTCGCATGCATGCCGACATGATGGAGGCAAGTACA-3'

ClinVar aggregate classification (germline): Pathogenic/Likely pathogenic. Review status: criteria provided, multiple submitters, no conflicts (2 of 4 stars). 2 submissions from 2 submitters: Pathogenic (1); Likely pathogenic (1). Last evaluated 2023-12-17.

Conditions:
Hepatoencephalopathy due to combined oxidative phosphorylation defect type 1. Also called: HEPATOENCEPHALOPATHY, EARLY FATAL PROGRESSIVE. Identifiers: Orphanet 137681, MedGen C1836797, MONDO:0012191, OMIM 609060.

Submissions (2):

Baylor Genetics
Classification: Likely pathogenic for Hepatoencephalopathy due to combined oxidative phosphorylation defect type 1. Last evaluated: 2023-12-17. Review status: criteria provided, single submitter. Criteria: ACMG Guidelines, 2015. Collection method: clinical testing. Allele origin: unknown.

Labcorp Genetics (formerly Invitae), Labcorp
Classification: Pathogenic. Last evaluated: 2023-03-08. Review status: criteria provided, single submitter. Criteria: Invitae Variant Classification Sherloc (09022015). Collection method: clinical testing. Allele origin: germline.
Comment: This variant is present in population databases (no rsID available, gnomAD 0.01%). This sequence change creates a premature translational stop signal (p.Lys391Argfs*15) in the GFM1 gene. It is expected to result in an absent or disrupted protein product. Loss-of-function variants in GFM1 are known to be pathogenic (PMID: 16632485, 17160893). This variant has not been reported in the literature in individuals affected with GFM1-related conditions. For these reasons, this variant has been classified as Pathogenic. ClinVar contains an entry for this variant (Variation ID: 1425853).

Literature cited by the submitters: PubMed 16632485 (cited by Labcorp Genetics (formerly Invitae), Labcorp); PubMed 17160893 (cited by Labcorp Genetics (formerly Invitae), Labcorp).